The following continues an entry in ClinVar:

NM_000372.5(TYR):c.1217C>T (p.Pro406Leu)

Gene: TYR. ClinVar aggregate classification (germline): Conflicting classifications of pathogenicity. Pathogenic (22); Likely pathogenic (13); Uncertain significance (1).

Submissions 27 to 42 of 42:

Genetic Services Laboratory, University of Chicago
Classification: Likely pathogenic for Albinism, oculocutaneous, type IA. Last evaluated: 2017-05-24. Review status: criteria provided, single submitter. Criteria: ACMG Guidelines, 2015. Collection method: clinical testing. Allele origin: germline. Affected: yes.

Eurofins Ntd Llc (ga)
Classification: Pathogenic. Last evaluated: 2017-04-05. Review status: criteria provided, single submitter. Criteria: EGL Classification Definitions 2015. Collection method: clinical testing. Allele origin: germline. Observed: 5 variant alleles, 5 heterozygotes.

Laboratory for Molecular Medicine, Mass General Brigham Personalized Medicine
Classification: Likely pathogenic for Oculocutaneous albinism. Last evaluated: 2017-01-24. Review status: criteria provided, single submitter. Criteria: LMM Criteria. Collection method: clinical testing. Allele origin: germline. Inheritance: Autosomal recessive inheritance. Observed: 2 variant alleles.
Comment: The p.Pro406Leu (NM_000372.4 c.1217C>T) variant in TYR has been reported in at l east 5 homozygous and 7 compound heterozygous individuals with clinical features of Oculocutaneous albinism type 1 (OCA type 1), and segregated with disease in 3 affected relatives from 1 family (Giebel 1991, Hutton 2008, Council 2009, Wei 2010, Hu 2011, Gargiulo 2011, Kalahroudi 2014, Rooryck 2008, Gronskov 2009, and Jaworek 2011). This variant has been identified in 1% (275/25738) of Finnish chr omosomes by the Genome Aggregation Database (gnomAD; dbSNP rs104894313, rs62645921). This variant has also been reported in Cl inVar (Variation ID#3777) as pathogenic or likely pathogenic. In vitro function al studies provide evidence that the p.Pro406Leu variant may impact protein func tion (Tripathi 1992, Spritz 1997, and Toyofuku 2001). It should be noted that so me studies have indicated that the pseudogene harbors this same variant. In summ ary, although additional studies are required to fully establish its significanc e, this variant is likely pathogenic for OCA type 1 in an autosomal recessive ma nner based upon case observations, segregation studies and in vitro data. ACMG/A MP Criteria applied: PM3 (upgraded to strong based on multiple occurences), PP1, PP3, PP5 (Richards 2015). Although the variant has been confirmed to occur in t he functional copy of the gene in this individual, we cannot guarantee that the evidence in the literature was based on observations in the functional gene. Ple ase note that, due to the technical limitations of the next generation sequencin g and Sanger confirmation assays, the TYR pseudogene cannot be reliably avoided. Therefore, before making clinical decisions regarding this variant, further tes ting via targeted assays that guarantee avoidance of TYR pseudogene would be req uired to confirm the presence of this variant.

Centre for Mendelian Genomics, University Medical Centre Ljubljana
Classification: Likely pathogenic for Oculocutaneous albinism type 1A. Last evaluated: 2016-01-01. Review status: criteria provided, single submitter. Criteria: ACMG Guidelines, 2015. Collection method: clinical testing. Allele origin: unknown. Affected: yes.
Comment: This variant was classified as: Likely pathogenic. The following ACMG criteria were applied in classifying this variant: PS3,PM1,PP2,PP3. This variant was detected in homozygous state.

Ambry Genetics
Classification: Pathogenic for Inborn genetic diseases. Last evaluated: 2014-08-29. Review status: criteria provided, single submitter. Criteria: Ambry exome assertion method (8-5-2015). Collection method: clinical testing. Allele origin: germline. Affected: yes. Observed: 1 variant allele.

Baylor Genetics
Classification: Likely pathogenic for Oculocutaneous albinism type 1A. Review status: criteria provided, single submitter. Criteria: ACMG Guidelines, 2015. Collection method: clinical testing. Allele origin: unknown.

Hadassah Hebrew University Medical Center
Classification: Likely pathogenic for Oculocutaneous albinism type 1A; Oculocutaneous albinism type 1B. Review status: criteria provided, single submitter. Criteria: ACMG Guidelines, 2015. Collection method: research. Allele origin: germline. Affected: no. Observed: 2 variant alleles.

Juno Genomics, Hangzhou Juno Genomics, Inc
Classification: Pathogenic for Oculocutaneous albinism type 1A; Oculocutaneous albinism type 1B. Review status: criteria provided, single submitter. Criteria: ACMG Guidelines, 2015. Collection method: clinical testing. Allele origin: germline.
Comment: For recessive disorders, detected in trans with a pathogenic variant.;Co-segregation with disease in multiple affected family members.;Well-established in vitro or in vivo functional studies supportive of a damaging effect on the gene or gene product.

Pele Pequeno Principe Research Institute, Faculdades Pequeno Principe
Classification: Pathogenic for Oculocutaneous albinism type 1B. Review status: criteria provided, single submitter. Criteria: ACMG Guidelines, 2015. Collection method: research. Allele origin: germline. Inheritance: Autosomal recessive inheritance. Affected: yes. Observed: 1 compound heterozygote.

UNC Molecular Genetics  Laboratory, University of North Carolina at Chapel Hill
Classification: Likely pathogenic for Tyrosinase-negative oculocutaneous albinism. Review status: criteria provided, single submitter. Criteria: ACMG Guidelines, 2015. Collection method: research. Allele origin: germline. Affected: no. Observed: 1 variant allele. Study: NSIGHT-NC NEXUS.
Comment: The TYR (p.Pro406Leu) variant segregated in a family with type IB oculocutaneous albinism (PMID: 1903591).

carrier finding

Reproductive Health Research and Development, BGI Genomics
Classification: Pathogenic for Albinism, oculocutaneous, type IA. Last evaluated: 2020-01-06. Review status: no assertion criteria provided. Collection method: curation. Allele origin: germline. Not counted in ClinVar's aggregate classification.
Comment: NM_000372.4:c.1217C>T in the TYR gene has an allele frequency of 0.011 in European (Finnish) subpopulation in the gnomAD database. The p.Pro406Leu (NM_000372.4 c.1217C>T) variant in TYR has been reported in at least 5 homozygous and 7 compound heterozygous individuals with clinical features of Oculocutaneous albinism type 1 (OCA type 1) (PMID: 18463683; 19320745; 19865097; 20861488; 25216246). In vitro function al studies provide evidence that the p.Pro406Leu variant may impact protein func tion (PMID: 1642278; 9242509; 11284711).Taken together, we interprete this variant as Pathogenic/Likely pathogenic. ACMG/AMP Criteria applied: PM3_Strong; PS3; PP4.

OMIM
Classification: Pathogenic for ALBINISM, OCULOCUTANEOUS, TYPE IB. Last evaluated: 1992-07-15. Review status: no assertion criteria provided. Collection method: literature only. Allele origin: germline. Not counted in ClinVar's aggregate classification.

Department of Pathology and Laboratory Medicine, Sinai Health System
Classification: Pathogenic. Review status: no assertion criteria provided. Collection method: clinical testing. Allele origin: unknown. Affected: yes. Study: The Canadian Open Genetics Repository (COGR). Not counted in ClinVar's aggregate classification.
Comment: The TYR p.P406L variant was identified in 20 of 528 proband chromosomes (frequency: 0.038; 5 homozygotes, 6 compound heterozygotes, 4 heterozygotes) from individuals or families with Oculocutaneous Albinism (Giebel_1991_PMID:1903591; Hutton_2008_PMID:18463683; Khordadpoor-Deilamani_2016_PMID:26167114; Kalahroudi_2014_PMID:25216246; Norman_2017_PMID:28667292; Gao_2017_PMID:28451379). This variant was also identified as a heterozygous variant in patient with basal cell carcinoma from a cohort of 287 patients with a suspected predisposition of skin cancer (Hu_2011_PMID:21906913), and as a homozygous variant in one of 138 patients with primary cutaneous melanoma (Council_2009_PMID:19320745). The variant was identified in dbSNP (ID: rs104894313) and ClinVar (classified as pathogenic by Ambry Genetics, EGl Genetics and three other laboratories, and as likely pathogenic by Laboratory for Molecular Medicine, Genetic Services Laboratory, University of Chicago and two other laboratories). The variant was identified in control databases in 1104 of 281766 chromosomes (7 homozygous) at a frequency of 0.003918 increasing the likelihood this could be a low frequency benign variant (Genome Aggregation Database March 6, 2019, v2.1.1). The variant was observed in the following populations: European (Finnish) in 273 of 25062 chromosomes (freq: 0.01089), Ashkenazi Jewish in 87 of 10350 chromosomes (freq: 0.008406), Other in 35 of 7178 chromosomes (freq: 0.004876), European (non-Finnish) in 555 of 128466 chromosomes (freq: 0.00432), Latino in 69 of 35262 chromosomes (freq: 0.001957), South Asian in 57 of 30608 chromosomes (freq: 0.001862), African in 26 of 24912 chromosomes (freq: 0.001044), and East Asian in 2 of 19928 chromosomes (freq: 0.0001). The p.Pro406 residue is conserved in mammals but not in more distantly related organisms, and computational analyses (PolyPhen-2, SIFT, AlignGVGD, BLOSUM, MutationTaster) suggest that the variant may impact the protein; however, this information is not predictive enough to assume pathogenicity. The variant occurs outside of the splicing consensus sequence and in silico or computational prediction software programs (SpliceSiteFinder, MaxEntScan, NNSPLICE, GeneSplicer) do not predict a difference in splicing. Functional studies demonstrated that the p.P406L variant destabilizes tyrosinase structure and results in reduced protein activity compared to wildtype (Giebel_1991_PMID_1903591; Dolinksa_2017_PMID_27775880; Toyofuku_2001_PMID_11284711; Spritz_1997_PMID_9242509). In summary, based on the above information this variant meets our laboratoryâ€šÃ„Ã´s criteria to be classified as pathogenic.

Retina International
No classification provided. Review status: no classification provided. Collection method: not provided. Allele origin: unknown. Not counted in ClinVar's aggregate classification.

Department of Otolaryngology – Head & Neck Surgery, Cochlear Implant Center
Classification: Uncertain significance for Hearing impairment. Last evaluated: 2021-04-12. Review status: flagged submission. Criteria: ClinGen HL ACMG Specifications v1. Collection method: clinical testing. Allele origin: germline. Affected: yes. Not counted in ClinVar's aggregate classification.
Comment: PM5_Strong, PP3_Supporting
ClinVar note: Reason: Outlier claim with insufficient supporting evidence

Baylor Genetics
Classification: Uncertain significance for Oculocutaneous albinism type 1B. Last evaluated: 2019-04-11. Review status: flagged submission. Criteria: ACMG Guidelines, 2015. Collection method: clinical testing. Allele origin: maternal. Affected: yes. Not counted in ClinVar's aggregate classification.
Comment: This variant was determined to be of uncertain significance according to ACMG Guidelines, 2015 [PMID:25741868]. These variants have been previously reported as disease-causing [PMID 1642278, 28266639, 1903591, 27775880, 25333069, 21906913, 28667292, 24123366, 9242509, 11284711, 1429711]
ClinVar note: Reason: Outlier claim with insufficient supporting evidence

Literature cited by the submitters: PubMed 1903591 (cited by 9 submitters); PubMed 13680365 (cited by Dasa and Eurofins Ntd Llc (ga)); PubMed 15146472 (cited by Dasa and Eurofins Ntd Llc (ga)); PubMed 18463683 (cited by 4 submitters); PubMed 21541274 (cited by Dasa); PubMed 34897530 (cited by Dasa); PubMed 1429711 (cited by 4 submitters); PubMed 9242509 (cited by 4 submitters); PubMed 11284711 (cited by 6 submitters); PubMed 22734612 (cited by 4 submitters); PubMed 25216246 (cited by 3 submitters); PubMed 27734839 (cited by Labcorp Genetics (formerly Invitae), Labcorp); PubMed 31719542 (cited by Victorian Clinical Genetics Services, Murdoch Childrens Research Institute); PubMed 27775880 (cited by 5 submitters); PubMed 38465142 (cited by Victorian Clinical Genetics Services, Murdoch Childrens Research Institute); PubMed 28667292 (cited by Victorian Clinical Genetics Services, Murdoch Childrens Research Institute and Baylor Genetics); PubMed 38219857 (cited by Laboratory of Genetic Epidemiology, Research Centre for Medical Genetics); PubMed 41428507 (cited by Laboratory of Genetic Epidemiology, Research Centre for Medical Genetics); PubMed 19060277 (cited by Women's Health and Genetics/Laboratory Corporation of America, LabCorp and Laboratory for Molecular Medicine, Mass General Brigham Personalized Medicine); PubMed 26818737 (cited by Illumina Laboratory Services, Illumina); PubMed 20861488 (cited by 3 submitters); PubMed 19208379 (cited by Eurofins Ntd Llc (ga)); PubMed 27887888 (cited by Eurofins Ntd Llc (ga)); PubMed 18821858 (cited by Laboratory for Molecular Medicine, Mass General Brigham Personalized Medicine); PubMed 21906913 (cited by Laboratory for Molecular Medicine, Mass General Brigham Personalized Medicine and Baylor Genetics); PubMed 19320745 (cited by Laboratory for Molecular Medicine, Mass General Brigham Personalized Medicine); PubMed 24123366 (cited by Laboratory for Molecular Medicine, Mass General Brigham Personalized Medicine and Baylor Genetics); PubMed 26167114 (cited by Laboratory for Molecular Medicine, Mass General Brigham Personalized Medicine); PubMed 19865097 (cited by Laboratory for Molecular Medicine, Mass General Brigham Personalized Medicine); PubMed 5516239 (cited by OMIM); PubMed 1642278 (cited by OMIM and Baylor Genetics); PubMed 32411182 (cited by Department of Otolaryngology – Head & Neck Surgery, Cochlear Implant Center); PubMed 28266639 (cited by Baylor Genetics); PubMed 25333069 (cited by Baylor Genetics).